The following is an entry in ClinVar:

NM_020831.6(MRTFA):c.2630C>G (p.Pro877Arg)

Gene: MRTFA (myocardin related transcription factor A; minus strand). Cytogenetic location: 22q13.1.
Variant type: single nucleotide variant.
Coding change: c.2630C>G on transcript NM_020831.6 (MANE Select); coding-DNA position 2630, C replaced by G.
Protein change: p.Pro877Arg; replaces proline 877 with arginine.
Molecular consequence: missense variant. On other transcripts: synonymous variant (1).
Genome position (GRCh38, 1-based): chr22:40,411,856, G>C on the plus strand (C>G on the coding strand, the complement: MRTFA is on the minus strand). VCF-style: chr22-40411856-G-C. GRCh37 (hg19) VCF-style: chr22-40807860-G-C.
Other names: c.2330C>G, p.Pro777Arg (NM_001282660.2); c.2480C>G, p.Pro827Arg (NM_001282661.3); c.2640C>G, p.Ala880= (NM_001282662.3); c.2435C>G, p.Pro812Arg (NM_001318139.2); short protein forms P827R, P812R, P777R, P877R.
Identifiers: ClinVar variation 3698773 (VCV003698773.2).

ClinVar aggregate classification (germline): Uncertain significance (1 of 4 stars; one submission).

gnomAD v4.1: 15 of 1,491,954 alleles (0.001%); highest among the groups gnomAD compares: Non-Finnish European, 0.0013%; no homozygotes.

Submission:

Labcorp Genetics (formerly Invitae), Labcorp
Classification: Uncertain significance. Last evaluated: 2025-01-21. Review status: criteria provided, single submitter. Criteria: Invitae Variant Classification Sherloc (09022015). Collection method: clinical testing. Allele origin: germline.
Comment: This sequence change replaces proline, which is neutral and non-polar, with arginine, which is basic and polar, at codon 777 of the MKL1 protein (p.Pro777Arg). This variant is present in population databases (rs766463651, gnomAD 0.004%). This variant has not been reported in the literature in individuals affected with MKL1-related conditions. An algorithm developed to predict the effect of missense changes on protein structure and function (PolyPhen-2) suggests that this variant is likely to be tolerated. In summary, the available evidence is currently insufficient to determine the role of this variant in disease. Therefore, it has been classified as a Variant of Uncertain Significance.